The following is an entry in ClinVar:

NM_003611.3(OFD1):c.508_509del (p.Asp170fs)

Gene: OFD1 (OFD1 centriole and centriolar satellite protein; plus strand). Cytogenetic location: Xp22.2.
Variant type: Microsatellite.
Coding change: c.508_509del on transcript NM_003611.3 (MANE Select); coding-DNA positions 508 to 509, 2 bases deleted (GA; older notation c.508_509delGA).
Protein change: p.Asp170fs; shifts the reading frame from aspartic acid 170.
Molecular consequence: frameshift variant.
Genome position (GRCh38, 1-based): chrX:13,744,510-13,744,511, GA deleted; deleting any 2 consecutive bases within chrX:13,744,507-13,744,511 gives the same sequence; the c. name uses the placement nearest the transcript's 3' end. VCF-style (leftmost placement, unchanged base first): chrX-13744506-CAG-C. GRCh37 (hg19) VCF-style: chrX-13762625-CAG-C.
Other names: c.508_509del (NM_003611.2); c.508_509del, p.Asp170fs (NM_001330209.2); c.88_89del, p.Asp30fs (NM_001330210.2); short protein forms D30fs, D170fs.
Identifiers: ClinVar variation 2499835 (VCV002499835.2), dbSNP rs886039861, ClinGen allele CA10588908.

ClinVar aggregate classification (germline): Pathogenic. Review status: criteria provided, multiple submitters, no conflicts (2 of 4 stars). 2 submissions from 2 submitters: Pathogenic (2). Last evaluated 2026-09-01.

Submissions (2):

CeGaT Center for Human Genetics Tuebingen
Classification: Pathogenic. Last evaluated: 2026-09-01. Review status: criteria provided, single submitter. Criteria: CeGaT Center For Human Genetics Tuebingen Variant Classification Criteria Version 2. Collection method: clinical testing. Allele origin: germline. Affected: yes. Observed: 1 variant allele.
Comment: OFD1: PVS1, PM2, PS4:Moderate, PM6:Supporting

GeneDx
Classification: Pathogenic. Last evaluated: 2022-10-18. Review status: criteria provided, single submitter. Criteria: GeneDx Variant Classification Process June 2021. Collection method: clinical testing. Allele origin: germline. Affected: yes.
Comment: Frameshift variant predicted to result in protein truncation or nonsense mediated decay in a gene for which loss of function is a known mechanism of disease; Not observed at significant frequency in large population cohorts (gnomAD); This variant is associated with the following publications: (PMID: 30820006, 23033313, 29520754, 20818665)